The following is an entry in ClinVar:

NM_014140.4(SMARCAL1):c.709C>A (p.Gln237Lys)

Gene: SMARCAL1 (SNF2 related chromatin remodeling annealing helicase 1; plus strand). Cytogenetic location: 2q35.
Variant type: single nucleotide variant.
Coding change: c.709C>A on transcript NM_014140.4 (MANE Select); coding-DNA position 709, C replaced by A.
Protein change: p.Gln237Lys; replaces glutamine 237 with lysine.
Molecular consequence: missense variant.
Genome position (GRCh38, 1-based): chr2:216,415,413, C>A. VCF-style: chr2-216415413-C-A. GRCh37 (hg19) VCF-style: chr2-217280136-C-A.
Other names: c.709C>A, p.Gln237Lys (NM_001127207.2); short protein forms Q237K.
Identifiers: ClinVar variation 1468557 (VCV001468557.5), dbSNP rs754790488, ClinGen allele CA2097641.

ClinVar aggregate classification (germline): Uncertain significance (1 of 4 stars; one submission).

Conditions:
Schimke immuno-osseous dysplasia (SIOD). Also called: Schimke Immunoosseous Dysplasia. Identifiers: Orphanet 1830, MedGen C0877024, MONDO:0009458, OMIM 242900.

Allele frequency attached by ClinVar (database versions not stated): gnomAD exomes below 0.00001; ExAC 0.00001; gnomAD 0.00001; TOPMed 0.00001.
gnomAD v4.1: 28 of 1,614,078 alleles (0.0017%); highest among the groups gnomAD compares: Non-Finnish European, 0.0023%; no homozygotes.

Submission:

Labcorp Genetics (formerly Invitae), Labcorp
Classification: Uncertain significance for Schimke immuno-osseous dysplasia. Last evaluated: 2021-09-01. Review status: criteria provided, single submitter. Criteria: Invitae Variant Classification Sherloc (09022015). Collection method: clinical testing. Allele origin: germline.
Comment: This sequence change replaces glutamine with lysine at codon 237 of the SMARCAL1 protein (p.Gln237Lys). The glutamine residue is weakly conserved and there is a small physicochemical difference between glutamine and lysine. This variant is present in population databases (rs754790488, ExAC 0.001%). This variant has not been reported in the literature in individuals affected with SMARCAL1-related conditions. Algorithms developed to predict the effect of missense changes on protein structure and function (SIFT, PolyPhen-2, Align-GVGD) all suggest that this variant is likely to be tolerated. In summary, the available evidence is currently insufficient to determine the role of this variant in disease. Therefore, it has been classified as a Variant of Uncertain Significance.